The following is an entry in ClinVar:

NM_000218.3(KCNQ1):c.1514+3032C>T

Genes: KCNQ1 (potassium voltage-gated channel subfamily Q member 1; plus strand), KCNQ1OT1 (KCNQ1 opposite strand/antisense transcript 1; minus strand). Cytogenetic location: 11p15.5.
Variant type: single nucleotide variant.
Coding change: c.1514+3032C>T on transcript NM_000218.3 (MANE Select); 3032 bases into the intron after coding-DNA position 1514, C replaced by T.
Molecular consequence: intron variant. On other transcripts: non-coding transcript variant (1).
Genome position (GRCh38, 1-based): chr11:2,665,113, C>T. VCF-style: chr11-2665113-C-T. GRCh37 (hg19) VCF-style: chr11-2686343-C-T.
Other names: c.1244+3032C>T (NM_001406837.1); c.1418+3032C>T (NM_001406836.1); c.974+3032C>T (NM_001406838.1); c.1133+3032C>T (NM_181798.2).
Identifiers: ClinVar variation 3054938 (VCV003054938.2), dbSNP rs961391673, ClinGen allele CA216173669.

ClinVar aggregate classification (germline): Likely benign (0 of 4 stars; one submission).

Conditions:
KCNQ1-related disorder. Also called: KCNQ1-related condition; KCNQ1-related disorders. Identifiers: MedGen CN239322.

Allele frequency attached by ClinVar (database versions not stated): gnomAD exomes below 0.00001; gnomAD 0.00007; TOPMed 0.00015.
gnomAD v4.1: 16 of 398,422 alleles (0.004%); highest among the groups gnomAD compares: Admixed American, 0.04%; no homozygotes.

Submission:

PreventionGenetics, part of Exact Sciences
Classification: Likely benign for KCNQ1-related condition. Last evaluated: 2022-12-27. Review status: no assertion criteria provided. Collection method: clinical testing. Allele origin: germline.
Comment: This variant is classified as likely benign based on ACMG/AMP sequence variant interpretation guidelines (Richards et al. 2015 PMID: 25741868, with internal and published modifications).